The following is an entry in ClinVar:

ClinVar aggregate classification (germline): Likely pathogenic (1 of 4 stars; one submission).

Conditions:
Facioscapulohumeral muscular dystrophy 2 (FSHD2). Also called: FACIOSCAPULOHUMERAL MUSCULAR DYSTROPHY 2, DIGENIC; FSHD2, DIGENIC; MUSCULAR DYSTROPHY, FACIOSCAPULOHUMERAL, TYPE 1B. Identifiers: Orphanet 269, MedGen C1834671, MONDO:0008031, OMIM 158901.

Submission:

Labcorp Genetics (formerly Invitae), Labcorp
Classification: Likely pathogenic for Facioscapulohumeral muscular dystrophy 2. Last evaluated: 2023-05-17. Review status: criteria provided, single submitter. Criteria: Invitae Variant Classification Sherloc (09022015). Collection method: clinical testing. Allele origin: germline.
Comment: This variant has not been reported in the literature in individuals affected with SMCHD1-related conditions. Algorithms developed to predict the effect of sequence changes on RNA splicing suggest that this variant may disrupt the consensus splice site. In summary, the currently available evidence indicates that the variant is pathogenic, but additional data are needed to prove that conclusively. Therefore, this variant has been classified as Likely Pathogenic. This sequence change affects a donor splice site in intron 2 of the SMCHD1 gene. It is expected to disrupt RNA splicing. Variants that disrupt the donor or acceptor splice site typically lead to a loss of protein function (PMID: 16199547), and loss-of-function variants in SMCHD1 are known to be pathogenic (PMID: 23143600). This variant is not present in population databases (gnomAD no frequency).

Literature cited by the submitters: PubMed 16199547; PubMed 23143600.

NM_015295.3(SMCHD1):c.262+1G>A

Gene: SMCHD1 (structural maintenance of chromosomes flexible hinge domain containing 1; plus strand). Cytogenetic location: 18p11.32.
Variant type: single nucleotide variant.
Coding change: c.262+1G>A on transcript NM_015295.3 (MANE Select); the canonical splice donor site of the intron after coding-DNA position 262, G replaced by A.
Molecular consequence: splice donor variant.
Genome position (GRCh38, 1-based): chr18:2,666,233, G>A. VCF-style: chr18-2666233-G-A. GRCh37 (hg19) VCF-style: chr18-2666232-G-A.
Identifiers: ClinVar variation 2809690 (VCV002809690.3), dbSNP rs2510097246, ClinGen allele CA401687484.